The following is an entry in ClinVar:

NM_000132.4(F8):c.562A>C (p.Asn188His)

Gene: F8 (coagulation factor VIII; minus strand). Cytogenetic location: Xq28.
Variant type: single nucleotide variant.
Coding change: c.562A>C on transcript NM_000132.4 (MANE Select); coding-DNA position 562, A replaced by C.
Protein change: p.Asn188His; replaces asparagine 188 with histidine.
Molecular consequence: missense variant.
Genome position (GRCh38, 1-based): chrX:154,992,975, T>G on the plus strand (A>C on the coding strand, the complement: F8 is on the minus strand). VCF-style: chrX-154992975-T-G. GRCh37 (hg19) VCF-style: chrX-154221250-T-G.
Other names: short protein forms N188H.
Identifiers: ClinVar variation 3251600 (VCV003251600.1), dbSNP rs2523977023.

ClinVar aggregate classification (germline): Uncertain significance (1 of 4 stars; one submission).

Submission:

Women's Health and Genetics/Laboratory Corporation of America, LabCorp
Classification: Uncertain significance. Last evaluated: 2024-04-01. Review status: criteria provided, single submitter. Criteria: LabCorp Variant Classification Summary - May 2015. Collection method: clinical testing. Allele origin: germline.
Comment: Variant summary: F8 c.562A>C (p.Asn188His) results in a conservative amino acid change located in the multicopper oxidase-like, N-terminal domain (IPR011707) of the encoded protein sequence. Three of five in-silico tools predict a damaging effect of the variant on protein function. The variant was absent in 183423 control chromosomes. The available data on variant occurrences in the general population are insufficient to allow any conclusion about variant significance. c.562A>C has been reported in the literature in cohorts of individuals who are either affected with or suspected carriers of Factor VIII Deficiency (Hemophilia A) (e.g., Andersson_2020; Johnsen_2022); however, these report(s) do not provide unequivocal conclusions about association of the variant with Factor VIII Deficiency (Hemophilia A). To our knowledge, no experimental evidence demonstrating an impact on protein function has been reported. The following publications have been ascertained in the context of this evaluation (PMID: 32935414, 35770352). No submitters have cited clinical-significance assessments for this variant to ClinVar. Based on the evidence outlined above, the variant was classified as uncertain significance.

Literature cited by the submitters: PubMed 35770352; PubMed 32935414.